The following is an entry in ClinVar:

ClinVar aggregate classification (germline): Uncertain significance (1 of 4 stars; one submission).

Conditions:
Duchenne muscular dystrophy (DMD). Also called: Duchenne Muscular Dystrophy (DMD); MUSCULAR DYSTROPHY, PSEUDOHYPERTROPHIC PROGRESSIVE, DUCHENNE TYPE. Identifiers: Orphanet 98896, MedGen C0013264, MONDO:0010679, OMIM 310200.

Submission:

Labcorp Genetics (formerly Invitae), Labcorp
Classification: Uncertain significance for Duchenne muscular dystrophy. Last evaluated: 2025-12-21. Review status: criteria provided, single submitter. Criteria: Invitae Variant Classification Sherloc (09022015). Collection method: clinical testing. Allele origin: germline.
Comment: This sequence change replaces arginine, which is basic and polar, with leucine, which is neutral and non-polar, at codon 3190 of the DMD protein (p.Arg3190Leu). This variant is not present in population databases (gnomAD no frequency). This variant has not been reported in the literature in individuals affected with DMD-related conditions. Invitae Evidence Modeling of protein sequence and biophysical properties (such as structural, functional, and spatial information, amino acid conservation, physicochemical variation, residue mobility, and thermodynamic stability) has been performed for this missense variant. However, the output from this modeling did not meet the statistical confidence thresholds required to predict the impact of this variant on DMD protein function. In summary, the available evidence is currently insufficient to determine the role of this variant in disease. Therefore, it has been classified as a Variant of Uncertain Significance.

NM_004006.3(DMD):c.9569G>T (p.Arg3190Leu)

Gene: DMD (dystrophin; minus strand). Cytogenetic location: Xp21.2.
Variant type: single nucleotide variant.
Coding change: c.9569G>T on transcript NM_004006.3 (MANE Select); coding-DNA position 9569, G replaced by T.
Protein change: p.Arg3190Leu; replaces arginine 3190 with leucine.
Molecular consequence: missense variant.
Genome position (GRCh38, 1-based): chrX:31,206,662, C>A on the plus strand (G>T on the coding strand, the complement: DMD is on the minus strand). VCF-style: chrX-31206662-C-A. GRCh37 (hg19) VCF-style: chrX-31224779-C-A.
Other names: c.9545G>T, p.Arg3182Leu (NM_000109.4); c.9557G>T, p.Arg3186Leu (NM_004009.3); c.9200G>T, p.Arg3067Leu (NM_004010.3); c.5546G>T, p.Arg1849Leu (NM_004011.4); c.5537G>T, p.Arg1846Leu (NM_004012.4); c.2189G>T, p.Arg730Leu (NM_004013.3, NM_004020.4, NM_004021.3 and 2 more transcripts); c.1382G>T, p.Arg461Leu (NM_004014.3); c.365G>T, p.Arg122Leu (NM_004015.3, NM_004016.3, NM_004017.3 and 2 more transcripts); short protein forms R122L, R1846L, R1849L, R3067L, R3182L, R3186L, R3190L, R461L.
Identifiers: ClinVar variation 4810097 (VCV004810097.1).